The following is an entry in ClinVar:

ClinVar aggregate classification (germline): Benign (0 of 4 stars; one submission).

Conditions:
IVD-related disorder. Also called: IVD-related condition.

Allele frequency attached by ClinVar (database versions not stated): 1000 Genomes Project 0.00339; 1000 Genomes Project 30x 0.00359.
gnomAD v4.1: 308 of 1,243,772 alleles (0.025%); highest among the groups gnomAD compares: East Asian, 1.6%; 1 homozygote.

Submission:

PreventionGenetics, part of Exact Sciences
Classification: Benign for IVD-related condition. Last evaluated: 2019-06-18. Review status: no assertion criteria provided. Collection method: clinical testing. Allele origin: germline.
Comment: This variant is classified as benign based on ACMG/AMP sequence variant interpretation guidelines (Richards et al. 2015 PMID: 25741868, with internal and published modifications).

NM_001354601.3(IVD):c.1243C>A (p.Leu415Ile)

Gene: IVD (isovaleryl-CoA dehydrogenase; plus strand). Cytogenetic location: 15q15.1.
Variant type: single nucleotide variant.
Coding change: c.1243C>A on transcript NM_001354601.3; coding-DNA position 1243, C replaced by A.
Protein change: p.Leu415Ile; replaces leucine 415 with isoleucine.
Molecular consequence: missense variant. On other transcripts: non-coding transcript variant (1).
Genome position (GRCh38, 1-based): chr15:40,435,521, C>A. VCF-style: chr15-40435521-C-A. GRCh37 (hg19) VCF-style: chr15-40727720-C-A.
Other names: c.1325C>A, p.Pro442His (NM_001354598.3); c.1412C>A, p.Pro471His (NM_001354600.3); short protein forms L415I, P442H, P471H.
Identifiers: ClinVar variation 3033340 (VCV003033340.2), dbSNP rs182842092, ClinGen allele CA7480963.
Genomic context (GRCh38, chr15:40,435,521, plus strand): 5'-ACCCGAGGTCAGACGTCCCTGGAGCAGGTGAGCACTGCGAGGGAACTGAGATGCAAGATC[C>A]TCCTGCCTGAACTCACACCCCGCGTGCTGCTCCCCCAACTCGCCTCTTGGATCTCAGACC-3'